The following is an entry in ClinVar:

ClinVar aggregate classification (germline): Conflicting classifications of pathogenicity. Review status: criteria provided, conflicting classifications (1 of 4 stars). 2 submissions from 2 submitters: Uncertain significance (1); Likely benign (1). Last evaluated 2026-09-10.

Allele frequency attached by ClinVar (database versions not stated): gnomAD exomes 0.00024 and 0.00045; ESP Exome Variant Server 0.00032; ExAC 0.00037; gnomAD 0.00040 and 0.00047; TOPMed 0.00085.
gnomAD v4.1: 434 of 1,609,866 alleles (0.027%); highest among the groups gnomAD compares: Admixed American, 0.13%; 1 homozygote.

Submissions (2):

GeneDx
Classification: Uncertain significance. Last evaluated: 2026-09-10. Review status: criteria provided, single submitter. Criteria: GeneDx Variant Classification Process June 2021. Collection method: clinical testing. Allele origin: germline.
Comment: Has not been previously published as pathogenic or benign to our knowledge; In silico analysis supports that this missense variant has a deleterious effect on protein structure/function

Labcorp Genetics (formerly Invitae), Labcorp
Classification: Likely benign. Last evaluated: 2026-01-26. Review status: criteria provided, single submitter. Criteria: Invitae Variant Classification Sherloc (09022015). Collection method: clinical testing. Allele origin: germline.

NM_001042545.2(LTBP4):c.3550C>T (p.Arg1184Trp)

Gene: LTBP4 (latent transforming growth factor beta binding protein 4; plus strand). Cytogenetic location: 19q13.2.
Variant type: single nucleotide variant.
Coding change: c.3550C>T on transcript NM_001042545.2 (MANE Select); coding-DNA position 3550, C replaced by T.
Protein change: p.Arg1184Trp; replaces arginine 1184 with tryptophan.
Molecular consequence: missense variant.
Genome position (GRCh38, 1-based): chr19:40,623,015, C>T. VCF-style: chr19-40623015-C-T. GRCh37 (hg19) VCF-style: chr19-41128920-C-T.
Other names: c.3751C>T, p.Arg1251Trp (NM_001042544.1); c.3640C>T, p.Arg1214Trp (NM_003573.2); short protein forms R1251W, R1184W, R1214W.
Identifiers: ClinVar variation 722512 (VCV000722512.17), dbSNP rs34051360, ClinGen allele CA9449040.